The following is an entry in ClinVar:

ClinVar aggregate classification (germline): Uncertain significance. Review status: criteria provided, single submitter (1 of 4 stars). 2 submissions from 2 submitters: Uncertain significance (1). 1 of the submissions does not count toward it. Last evaluated 2024-01-19.

Conditions:
Inborn genetic diseases. Identifiers: MedGen C0950123, MeSH D030342.
ATXN7-related disorder. Also called: ATXN7-related condition.

Allele frequency attached by ClinVar (database versions not stated): ExAC 0.00031; TOPMed 0.00052; gnomAD 0.00057; ESP Exome Variant Server 0.00060; 1000 Genomes Project 30x 0.00219; 1000 Genomes Project 0.00220.
gnomAD v4.1: 162 of 1,611,064 alleles (0.01%); highest among the groups gnomAD compares: African/African-American, 0.17%; 1 homozygote.

Submissions (2):

Ambry Genetics
Classification: Uncertain significance for Inborn genetic diseases. Last evaluated: 2024-01-19. Review status: criteria provided, single submitter. Criteria: Ambry Variant Classification Scheme 2023. Collection method: clinical testing. Allele origin: germline.

PreventionGenetics, part of Exact Sciences
Classification: Likely benign for ATXN7-related condition. Last evaluated: 2020-06-11. Review status: no assertion criteria provided. Collection method: clinical testing. Allele origin: germline. Not counted in ClinVar's aggregate classification.
Comment: This variant is classified as likely benign based on ACMG/AMP sequence variant interpretation guidelines (Richards et al. 2015 PMID: 25741868, with internal and published modifications).

NM_001377405.1(ATXN7):c.980A>G (p.Asn327Ser)

Gene: ATXN7 (ataxin 7; plus strand). Cytogenetic location: 3p14.1.
Variant type: single nucleotide variant.
Coding change: c.980A>G on transcript NM_001377405.1 (MANE Select); coding-DNA position 980, A replaced by G.
Protein change: p.Asn327Ser; replaces asparagine 327 with serine.
Molecular consequence: missense variant.
Genome position (GRCh38, 1-based): chr3:63,982,413, A>G. VCF-style: chr3-63982413-A-G. GRCh37 (hg19) VCF-style: chr3-63968089-A-G.
Other names: c.980A>G, p.Asn327Ser (NM_000333.4, NM_001177387.1, NM_001377406.1); c.545A>G, p.Asn182Ser (NM_001128149.3); short protein forms N182S, N327S.
Identifiers: ClinVar variation 2222362 (VCV002222362.4), dbSNP rs147368400, ClinGen allele CA2478430.